The following continues an entry in ClinVar:

NM_020975.6(RET):c.2671T>G (p.Ser891Ala)

Gene: RET. ClinVar aggregate classification (germline): Pathogenic. Pathogenic (27).

Submissions 7 to 17 of 30:

ARUP Laboratories, Molecular Genetics and Genomics, ARUP Laboratories
Classification: Pathogenic. Last evaluated: 2024-08-07. Review status: criteria provided, single submitter. Criteria: ARUP Molecular Germline Variant Investigation Process 2024. Collection method: clinical testing. Allele origin: germline.
Comment: The RET c.2671T>G; p.Ser891Ala variant (rs75234356) is reported in the literature in individuals and families with medullary thyroid carcinoma, pheochromocytoma and hyperparathyroidism (Elisei 2019, Hofstra 1997, Qi 2021, Shulte 2010). This variant is also reported as pathogenic by multiple laboratories in ClinVar (Variation ID: 13951). This variant is only observed on three alleles in the Genome Aggregation Database, indicating it is not a common polymorphism. Functional analyses of the variant protein show that it has low transforming activity (Colombo 2015, Iwashita 1999, Plaza Menacho 2005). Additionally, according to the American Thyroid Association, this variant is classified as a moderate risk variant for aggressive medullary thyroid carcinoma with a low incidence of pheochromocytoma or hyperparathyroidism (Wells 2015). Computational analyses predict that this variant is deleterious (REVEL: 0.733). Based on available information, this variant is considered to be pathogenic. References: Colombo C et al. The modifier role of RET-G691S polymorphism in hereditary medullary thyroid carcinoma: functional characterization and expression/penetrance studies. Orphanet J Rare Dis. 2015 Mar 1;10:25. PMID: 25887804. Elisei R et al. Twenty-Five Years Experience on RET Genetic Screening on Hereditary MTC: An Update on The Prevalence of Germline RET Mutations. Genes (Basel). 2019 Sep 10;10(9):698. PMID: 31510104. Hofstra RM et al. A novel point mutation in the intracellular domain of the ret protooncogene in a family with medullary thyroid carcinoma. J Clin Endocrinol Metab. 1997 Dec;82(12):4176-8. PMID: 9398735. Iwashita T et al. Biological and biochemical properties of Ret with kinase domain mutations identified in multiple endocrine neoplasia type 2B and familial medullary thyroid carcinoma. Oncogene. 1999 Jul 1;18(26):3919-22. PMID: 10445857. Plaza Menacho I et al. RET-familial medullary thyroid carcinoma mutants Y791F and S891A activate a Src/JAK/STAT3 pathway, independent of glial cell line-derived neurotrophic factor. Cancer Res. 2005 Mar 1;65(5):1729-37. PMID: 15753368. Qi XP et al. Spectrum of Germline RET variants identified by targeted sequencing and associated Multiple Endocrine Neoplasia type 2 susceptibility in China. BMC Cancer. 2021 Apr 7;21(1):369. PMID: 33827484. Schulte KM et al. The clinical spectrum of multiple endocrine neoplasia type 2a caused by the rare intracellular RET mutation S891A. J Clin Endocrinol Metab. 2010 Sep;95(9):E92-7. PMID: 20554711. Wells SA et al. Revised American Thyroid Association guidelines for the management of medullary thyroid carcinoma. Thyroid. 2015 Jun;25(6):567-610. PMID: 25810047.

Blueprint Genetics
Classification: Pathogenic for RET-related disorders. Last evaluated: 2024-04-10. Review status: criteria provided, single submitter. Criteria: ACMG Guidelines, 2015. Collection method: clinical testing. Allele origin: germline. Affected: yes. Observed: 1 variant allele.

All of Us Research Program, National Institutes of Health
Classification: Pathogenic for Multiple endocrine neoplasia, type 2. Last evaluated: 2024-02-05. Review status: criteria provided, single submitter. Criteria: ACMG Guidelines, 2015. Collection method: clinical testing. Allele origin: germline. Inheritance: Autosomal dominant inheritance. Observed: 2 variant alleles, 2 heterozygotes.
Comment: This missense variant replaces serine with alanine at codon 891 of the RET protein. Computational prediction suggests that this variant may have deleterious impact on protein structure and function (internally defined REVEL score threshold >= 0.7, PMID: 27666373). Functional studies have reported low to intermediate transforming activities and activation of kinase activity and downstream effectors (PMID: 10445857, 15753368, 25887804, 26356818). This variant has been reported in multiple individuals and families affected with multiple endocrine neoplasia type 2 and medullary thyroid carcinoma (PMID: 10024437, 15292360, 17178962, 17895320, 18062802, 20516206, 20554711, 23295303, 24449023, 26356818, 28647780, 30763276, 30927507, 31510104). This variant has been reported to segregate with disease in several pedigrees (PMID: 9398735, 10024437, 15292360, 23295303, 30927507). This variant has been identified in 3/250656 chromosomes in the general population by the Genome Aggregation Database (gnomAD). Based on the available evidence, this variant is classified as Pathogenic.

This study involves interpretation of variants in research participants for the purpose of population health screening. Participant phenotype was not available at the time of variant classification. Additional details can be found in publication PMID: 35346344, PMCID: PMC8962531

Myriad Genetics, Inc.
Classification: Pathogenic for Multiple endocrine neoplasia type 2A. Last evaluated: 2024-01-05. Review status: criteria provided, single submitter. Criteria: Myriad Autosomal Dominant, Autosomal Recessive and X-Linked Classification Criteria (2023). Collection method: clinical testing. Allele origin: unknown.
Comment: This variant is considered pathogenic. Functional studies indicate this variant impacts protein function [PMID: 25887804, 17209045, 16469774]. This variant has been reported in multiple individuals with clinical features of gene-specific disease [PMID: 25887804, 30927507, 26356818, 20554711, 25810047].

Baylor Genetics
Classification: Pathogenic for Hirschsprung disease, susceptibility to, 1. Last evaluated: 2023-12-14. Review status: criteria provided, single submitter. Criteria: ACMG Guidelines, 2015. Collection method: clinical testing. Allele origin: unknown.

Greenwood Genetic Center Diagnostic Laboratories, Greenwood Genetic Center
Classification: Pathogenic for Medullary thyroid carcinoma; Multiple endocrine neoplasia II. Last evaluated: 2023-07-20. Review status: criteria provided, single submitter. Criteria: ACMG Guidelines, 2015. Collection method: clinical testing. Allele origin: germline.
Comment: PS4, PS3

KCCC/NGS Laboratory, Kuwait Cancer Control Center
Classification: Pathogenic for Multiple endocrine neoplasia type 2B. Last evaluated: 2023-07-07. Review status: criteria provided, single submitter. Criteria: ACMG Guidelines, 2015. Collection method: clinical testing. Allele origin: unknown. Affected: yes.
Comment: The serine residue is highly conserved and there is a moderate physicochemical difference between serine and alanine. This variant is not in gnomAD. This variant has been reported in numerous individuals and families affected with medullary thyroid carcinoma (MTC), pheochromocytoma (PHEO), and parathyroid hyperplasia (PMID: 20554711, 9398735, 24845513, 24449023, 23295303). According to the management guidelines of the American Thyroid Association (ATA), this variant is categorized as a moderate risk variant for MTC with ~10% incidence of PHEO or hyperparathyroidism (HPTH) (PMID: 25810047, 19469690, 11739416). ClinVar contains an entry for this variant (Variation ID: 13951) with 18 submissions, all of which describe it as of uncertain significance. UniProt Variants classifies this variant as Pathogenic, citing 3 articles (15292360, 10024437 and 9398735). Experimental studies have shown that this missense change increases the phosphorylation levels of downstream effectors such as Akt and STAT3, and has a moderate transforming activity in vitro (PMID: 10445857, 17209045, 26356818). In-silico predictions show pathogenic computational verdict based on 11 pathogenic predictions from PolyPhen, BayesDel_addAF, DANN, DEOGEN2, FATHMM-MKL, LIST-S2, M-CAP, MVP, MutationTaster, PrimateAI and SIFT vs 1 benign prediction from MutationAssessor (1 uncertain prediction from EIGEN). Therefore, this variant has been classified as Pathogenic.

Athena Diagnostics
Classification: Pathogenic. Last evaluated: 2023-01-25. Review status: criteria provided, single submitter. Criteria: Athena Diagnostics Criteria. Collection method: clinical testing. Allele origin: unknown.
Comment: The frequency of this variant in the general population is consistent with pathogenicity (Genome Aggregation Database (gnomAD), Cambridge, MA (URL)). This variant has been identified in multiple unrelated individuals with medullary thyroid cancer and MEN2A. The American Thyroid Association has placed this variant into the ATA-MOD category, which includes the former levels A and B, for having a moderate risk of developing aggressive medullary thyroid carcinoma (MTC; see PMID: 25810047). This variant segregates with disease in multiple families. Assessment of experimental evidence suggests this variant results in abnormal protein function. (PMID: 10445857, 15753368, 25887804)

Department of Pathology and Laboratory Medicine, Sinai Health System
Classification: Pathogenic for Hirschsprung disease, susceptibility to, 1; Familial medullary thyroid carcinoma; Multiple endocrine neoplasia type 2B; Pheochromocytoma; Multiple endocrine neoplasia type 2A. Last evaluated: 2022-12-09. Review status: criteria provided, single submitter. Criteria: ACMG Guidelines, 2015. Collection method: clinical testing. Allele origin: germline. Affected: yes.

Mayo Clinic Laboratories, Mayo Clinic
Classification: Pathogenic. Last evaluated: 2022-06-30. Review status: criteria provided, single submitter. Criteria: ACMG Guidelines, 2015. Collection method: clinical testing. Allele origin: germline. Observed: 6 variant alleles.
Comment: PP1_strong, PP5, PM2, PS3_supporting, PS4_moderate

Quest Diagnostics Nichols Institute San Juan Capistrano
Classification: Pathogenic. Last evaluated: 2022-06-01. Review status: criteria provided, single submitter. Criteria: Quest Diagnostics criteria. Collection method: clinical testing. Allele origin: unknown.
Comment: The frequency of this variant in the general population, 0.000012 (3/250656 chromosomes), is consistent with pathogenicity. In the published literature, the variant has been reported in many individuals with multiple endocrine neoplasia type 2A, familial medullary thyroid cancer, or pheochromocytoma (PMIDs: 23295303 (2012), 24449023 (2014), 24845513 (2014), 25887804 (2015), and 26356818 (2015)). Functional studies indicate that this variant impacts protein function (PMIDs: 16469774 (2006), 26356818 (2015), 15753368 (2005)). Therefore, the variant is classified as pathogenic.